The following is an entry in ClinVar:

NM_005751.5(AKAP9):c.863A>G (p.Gln288Arg)

Gene: AKAP9 (A-kinase anchoring protein 9; plus strand). Cytogenetic location: 7q21.2.
Variant type: single nucleotide variant.
Coding change: c.863A>G on transcript NM_005751.5 (MANE Select); coding-DNA position 863, A replaced by G.
Protein change: p.Gln288Arg; replaces glutamine 288 with arginine.
Molecular consequence: missense variant.
Genome position (GRCh38, 1-based): chr7:91,995,733, A>G. VCF-style: chr7-91995733-A-G. GRCh37 (hg19) VCF-style: chr7-91625047-A-G.
Other names: c.863A>G, p.Gln288Arg (NM_147185.3); short protein forms Q288R.
Identifiers: ClinVar variation 2088454 (VCV002088454.4), dbSNP rs2484676557, ClinGen allele CA368120399.

ClinVar aggregate classification (germline): Uncertain significance (1 of 4 stars; one submission).

Conditions:
Long QT syndrome (LQTS). Identifiers: MedGen C0023976, MeSH D008133, MONDO:0002442. Disease mechanism: loss of function. Inheritance: Various modes of inheritance.

gnomAD v4.1: 1 of 1,613,468 alleles (0.000062%); no homozygotes.

Submission:

Labcorp Genetics (formerly Invitae), Labcorp
Classification: Uncertain significance for Long QT syndrome. Last evaluated: 2022-05-27. Review status: criteria provided, single submitter. Criteria: Invitae Variant Classification Sherloc (09022015). Collection method: clinical testing. Allele origin: germline.
Comment: In summary, the available evidence is currently insufficient to determine the role of this variant in disease. Therefore, it has been classified as a Variant of Uncertain Significance. Algorithms developed to predict the effect of missense changes on protein structure and function (SIFT, PolyPhen-2, Align-GVGD) all suggest that this variant is likely to be tolerated. This variant has not been reported in the literature in individuals affected with AKAP9-related conditions. This variant is not present in population databases (gnomAD no frequency). This sequence change replaces glutamine, which is neutral and polar, with arginine, which is basic and polar, at codon 288 of the AKAP9 protein (p.Gln288Arg).